The following is an entry in ClinVar:

NM_182931.3(KMT2E):c.1624G>T (p.Glu542Ter)

Gene: KMT2E (lysine methyltransferase 2E (inactive); plus strand). Cytogenetic location: 7q22.3.
Variant type: single nucleotide variant.
Coding change: c.1624G>T on transcript NM_182931.3 (MANE Select); coding-DNA position 1624, G replaced by T.
Protein change: p.Glu542Ter; replaces glutamic acid 542 with a stop codon.
Molecular consequence: nonsense.
Genome position (GRCh38, 1-based): chr7:105,091,216, G>T. VCF-style: chr7-105091216-G-T. GRCh37 (hg19) VCF-style: chr7-104731663-G-T.
Other names: c.1624G>T, p.Glu542Ter (NM_001410908.1, NM_018682.4); short protein forms E542*.
Identifiers: ClinVar variation 3376546 (VCV003376546.2).
Genomic context (GRCh38, chr7:105,091,216, plus strand): 5'-TGTCACTAGTTGTATAGATGGAATAATAGTTTGTATAAAGAAGTCATTTCCATTTTTCAG[G>T]AACCAGATTTTATTGATGATATAGAAGAAAAAACTCCTATTAGTAATGAAGTAGAAATGG-3'

ClinVar aggregate classification (germline): Pathogenic (1 of 4 stars; one submission).

Conditions:
O'Donnell-Luria-Rodan syndrome (ODLURO). Also called: KMT2E-Related Neurodevelopmental Disorder. Identifiers: MedGen C5193138, MONDO:0032793, OMIM 618512.

Submission:

Translational Cytogenomics Research Unit, Bambino Gesu Children Hospital
Classification: Pathogenic for O'Donnell-Luria-Rodan syndrome. Last evaluated: 2024-11-12. Review status: criteria provided, single submitter. Criteria: ACMG Guidelines, 2015. Collection method: clinical testing. Allele origin: de novo. Affected: yes.
Comment: Null variant (nonsense) in gene KMT2E, predicted to cause NMD. Loss-of-function is a known mechanism of disease (gene has 104 reported pathogenic LOF variants). The exon contains 4 pathogenic variants. The truncated region contains 82 pathogenic variants. This variant has been identified as a de novo. ACMG Criteria (PVS1, PM2, PS2)